The following is an entry in ClinVar:

NM_007294.4(BRCA1):c.845C>A (p.Ser282Ter)

Gene: BRCA1 (BRCA1 DNA repair associated; minus strand). Cytogenetic location: 17q21.31.
Variant type: single nucleotide variant.
Coding change: c.845C>A on transcript NM_007294.4 (MANE Select); coding-DNA position 845, C replaced by A.
Protein change: p.Ser282Ter; replaces serine 282 with a stop codon.
Molecular consequence: nonsense. On other transcripts: 5 prime UTR variant (2), intron variant (137).
Genome position (GRCh38, 1-based): chr17:43,094,686, G>T on the plus strand (C>A on the coding strand, the complement: BRCA1 is on the minus strand). VCF-style: chr17-43094686-G-T. GRCh37 (hg19) VCF-style: chr17-41246703-G-T.
Other names: c.632C>A, p.Ser211Ter (NM_001407571.1, NM_001407896.1, NM_001407897.1 and 9 more transcripts); c.845C>A, p.Ser282Ter (NM_001407581.1, NM_001407582.1, NM_001407598.1 and 30 more transcripts); c.842C>A, p.Ser281Ter (NM_001407610.1, NM_001407611.1, NM_001407612.1 and 22 more transcripts); c.836C>A, p.Ser279Ter (NM_001407646.1, NM_001407647.1); c.722C>A, p.Ser241Ter (NM_001407648.1, NM_001407666.1, NM_001407667.1 and 19 more transcripts); c.719C>A, p.Ser240Ter (NM_001407649.1, NM_001407670.1, NM_001407671.1 and 11 more transcripts); c.767C>A, p.Ser256Ter (NM_001407653.1, NM_001407654.1, NM_001407655.1 and 4 more transcripts); c.704C>A, p.Ser235Ter (NM_001407692.1, NM_001407694.1, NM_001407695.1 and 29 more transcripts); and 40 more; short protein forms S282*, S235*, S154*, S171*, S211*, S214*, S255*, S279*.
Identifiers: ClinVar variation 427236 (VCV000427236.2), dbSNP rs786203027, ClinGen allele CA10600392.

ClinVar aggregate classification (germline): Pathogenic. Review status: reviewed by expert panel (3 of 4 stars). 2 submissions from 2 submitters: Pathogenic (1). 1 of the submissions does not count toward it. Last evaluated 2017-12-15.

Conditions:
Breast-ovarian cancer, familial, susceptibility to, 1 (BROVCA1). Also called: BRCA1 Hereditary Breast and Ovarian Cancer; OVARIAN CANCER, SUSCEPTIBILITY TO. Identifiers: Orphanet 145, MedGen C2676676, MONDO:0011450, OMIM 604370. Disease mechanism: loss of function.

Submissions (2):

Evidence-based Network for the Interpretation of Germline Mutant Alleles (ENIGMA)
Classification: Pathogenic for Breast-ovarian cancer, familial, susceptibility to, 1. Last evaluated: 2017-12-15. Review status: reviewed by expert panel. Criteria: ENIGMA BRCA1/2 Classification Criteria (2017-06-29). Collection method: curation. Allele origin: germline. Study: ENIGMA.
Comment: Variant allele predicted to encode a truncated non-functional protein.

Genologica Medica
Classification: Pathogenic for Breast-ovarian cancer, familial, susceptibility to, 1. Last evaluated: 2017-01-01. Review status: criteria provided, single submitter. Criteria: ACMG Guidelines, 2015. Collection method: clinical testing. Allele origin: germline. Affected: yes. Not counted in ClinVar's aggregate classification.